The following is an entry in ClinVar:

NM_004618.5(TOP3A):c.1759G>C (p.Glu587Gln)

Gene: TOP3A (DNA topoisomerase III alpha; minus strand). Cytogenetic location: 17p11.2.
Variant type: single nucleotide variant.
Coding change: c.1759G>C on transcript NM_004618.5 (MANE Select); coding-DNA position 1759, G replaced by C.
Protein change: p.Glu587Gln; replaces glutamic acid 587 with glutamine.
Molecular consequence: missense variant.
Genome position (GRCh38, 1-based): chr17:18,285,260, C>G on the plus strand (G>C on the coding strand, the complement: TOP3A is on the minus strand). VCF-style: chr17-18285260-C-G. GRCh37 (hg19) VCF-style: chr17-18188574-C-G.
Other names: c.1759G>C (NM_004618.3); c.1474G>C, p.Glu492Gln (NM_001320759.2); short protein forms E587Q, E492Q.
Identifiers: ClinVar variation 2074037 (VCV002074037.6), dbSNP rs146664233, ClinGen allele CA8429786.

ClinVar aggregate classification (germline): Uncertain significance. Review status: criteria provided, multiple submitters, no conflicts (2 of 4 stars). 3 submissions from 3 submitters: Uncertain significance (3). Last evaluated 2025-01-02.

Conditions:
Inborn genetic diseases. Identifiers: MedGen C0950123, MeSH D030342.

Allele frequency attached by ClinVar (database versions not stated): TOPMed 0.00008; gnomAD 0.00009; gnomAD exomes 0.00013; ExAC 0.00016; ESP Exome Variant Server 0.00023.

Submissions (3):

Labcorp Genetics (formerly Invitae), Labcorp
Classification: Uncertain significance. Last evaluated: 2025-01-02. Review status: criteria provided, single submitter. Criteria: Invitae Variant Classification Sherloc (09022015). Collection method: clinical testing. Allele origin: germline.
Comment: This sequence change replaces glutamic acid, which is acidic and polar, with glutamine, which is neutral and polar, at codon 587 of the TOP3A protein (p.Glu587Gln). This variant is present in population databases (rs146664233, gnomAD 0.05%). This variant has not been reported in the literature in individuals affected with TOP3A-related conditions. ClinVar contains an entry for this variant (Variation ID: 2074037). An algorithm developed to predict the effect of missense changes on protein structure and function (PolyPhen-2) suggests that this variant is likely to be disruptive. In summary, the available evidence is currently insufficient to determine the role of this variant in disease. Therefore, it has been classified as a Variant of Uncertain Significance.

Ambry Genetics
Classification: Uncertain significance for Inborn genetic diseases. Last evaluated: 2024-09-04. Review status: criteria provided, single submitter. Criteria: Ambry Variant Classification Scheme 2023. Collection method: clinical testing. Allele origin: germline.

Blueprint Genetics
Classification: Uncertain significance. Last evaluated: 2022-01-20. Review status: criteria provided, single submitter. Criteria: ACMG Guidelines, 2015. Collection method: clinical testing. Allele origin: germline.